The following is an entry in ClinVar:

ClinVar aggregate classification (germline): Uncertain significance. Review status: criteria provided, multiple submitters, no conflicts (2 of 4 stars). 4 submissions from 4 submitters: Uncertain significance (4). Last evaluated 2024-02-21.

Conditions:
Sulfite oxidase deficiency due to molybdenum cofactor deficiency type A. Also called: Molybdenum cofactor deficiency, complementation group A; Molybdenum Cofactor Deficiency A. Identifiers: Orphanet 308386, Orphanet 833, MedGen C1854988, MONDO:0009643, OMIM 252150.

Allele frequency attached by ClinVar (database versions not stated): TOPMed 0.00002.
gnomAD v4.1: 3 of 1,612,772 alleles (0.00019%); highest among the groups gnomAD compares: Non-Finnish European, 0.00025%; no homozygotes.

Submissions (4):

Fulgent Genetics
Classification: Uncertain significance for Sulfite oxidase deficiency due to molybdenum cofactor deficiency type A. Last evaluated: 2024-02-21. Review status: criteria provided, single submitter. Criteria: ACMG Guidelines, 2015. Collection method: clinical testing. Allele origin: germline.

Blueprint Genetics
Classification: Uncertain significance. Last evaluated: 2023-07-05. Review status: criteria provided, single submitter. Criteria: ACMG Guidelines, 2015. Collection method: clinical testing. Allele origin: germline.

Labcorp Genetics (formerly Invitae), Labcorp
Classification: Uncertain significance for Sulfite oxidase deficiency due to molybdenum cofactor deficiency type A. Last evaluated: 2022-05-09. Review status: criteria provided, single submitter. Criteria: Invitae Variant Classification Sherloc (09022015). Collection method: clinical testing. Allele origin: germline.
Comment: This sequence change replaces alanine, which is neutral and non-polar, with serine, which is neutral and polar, at codon 59 of the MOCS1 protein (p.Ala59Ser). This variant is not present in population databases (gnomAD no frequency). This variant has not been reported in the literature in individuals affected with MOCS1-related conditions. ClinVar contains an entry for this variant (Variation ID: 356670). Algorithms developed to predict the effect of missense changes on protein structure and function are either unavailable or do not agree on the potential impact of this missense change (SIFT: "Not Available"; PolyPhen-2: "Benign"; Align-GVGD: "Not Available"). In summary, the available evidence is currently insufficient to determine the role of this variant in disease. Therefore, it has been classified as a Variant of Uncertain Significance.

Illumina Laboratory Services, Illumina
Classification: Uncertain significance for Sulfite oxidase deficiency due to molybdenum cofactor deficiency type A. Last evaluated: 2018-01-13. Review status: criteria provided, single submitter. Criteria: ICSL Variant Classification Criteria 13 December 2019. Collection method: clinical testing. Allele origin: germline.

NM_001358530.2(MOCS1):c.175G>T (p.Ala59Ser)

Gene: MOCS1 (molybdenum cofactor synthesis 1; minus strand). Cytogenetic location: 6p21.2.
Variant type: single nucleotide variant.
Coding change: c.175G>T on transcript NM_001358530.2 (MANE Select); coding-DNA position 175, G replaced by T.
Protein change: p.Ala59Ser; replaces alanine 59 with serine.
Molecular consequence: missense variant. On other transcripts: 5 prime UTR variant (1), intron variant (2).
Genome position (GRCh38, 1-based): chr6:39,927,404, C>A on the plus strand (G>T on the coding strand, the complement: MOCS1 is on the minus strand). VCF-style: chr6-39927404-C-A. GRCh37 (hg19) VCF-style: chr6-39895143-C-A.
Other names: c.175G>T, p.Ala59Ser (NM_001075098.4, NM_001358529.2, NM_005943.6); c.-87G>T (NM_001358534.2); c.-11-1559G>T (NM_001358531.2, NM_001358533.2); short protein forms A59S.
Identifiers: ClinVar variation 356670 (VCV000356670.12), dbSNP rs770756364, ClinGen allele CA10623868.